The following is an entry in ClinVar:

NM_001851.6(COL9A1):c.1252G>A (p.Gly418Ser)

Gene: COL9A1 (collagen type IX alpha 1 chain; minus strand). Cytogenetic location: 6q13.
Variant type: single nucleotide variant.
Coding change: c.1252G>A on transcript NM_001851.6 (MANE Select); coding-DNA position 1252, G replaced by A.
Protein change: p.Gly418Ser; replaces glycine 418 with serine.
Molecular consequence: missense variant. On other transcripts: non-coding transcript variant (1).
Genome position (GRCh38, 1-based): chr6:70,268,839, C>T on the plus strand (G>A on the coding strand, the complement: COL9A1 is on the minus strand). VCF-style: chr6-70268839-C-T. GRCh37 (hg19) VCF-style: chr6-70978542-C-T.
Other names: c.523G>A, p.Gly175Ser (NM_001377289.1, NM_001377290.1, NM_078485.4); c.1252G>A (NM_001851.4); short protein forms G418S, G175S.
Identifiers: ClinVar variation 3016862 (VCV003016862.4), dbSNP rs745725671, ClinGen allele CA3882316.
Genomic context (GRCh38, chr6:70,268,839, plus strand): 5'-AAAATACTGGAAGTTATTCTCTTACCCTCATGCCTGGTAGGCCTGGATATCCTGAGCGAC[C>T]TGGTGGACAGGCATTGGGACACTGCCAGGGAGAGAGGGAACAAAGAGAAAGAAAGACAGA-3'
Protein context (NP_001842.3, residues 408-428): DPLCPNACPP[Gly418Ser]RSGYPGLPGM

ClinVar aggregate classification (germline): Uncertain significance. Review status: criteria provided, multiple submitters, no conflicts (2 of 4 stars). 2 submissions from 2 submitters: Uncertain significance (2). Last evaluated 2025-12-08.

gnomAD v4.1: 14 of 1,613,942 alleles (0.00087%); highest among the groups gnomAD compares: South Asian, 0.011%; no homozygotes.

Submissions (2):

Labcorp Genetics (formerly Invitae), Labcorp
Classification: Uncertain significance. Last evaluated: 2025-12-08. Review status: criteria provided, single submitter. Criteria: Invitae Variant Classification Sherloc (09022015). Collection method: clinical testing. Allele origin: germline.
Comment: This sequence change replaces glycine, which is neutral and non-polar, with serine, which is neutral and polar, at codon 418 of the COL9A1 protein (p.Gly418Ser). This variant is present in population databases (rs745725671, gnomAD 0.02%). This variant has not been reported in the literature in individuals affected with COL9A1-related conditions. ClinVar contains an entry for this variant (Variation ID: 3016862). Invitae Evidence Modeling of protein sequence and biophysical properties (such as structural, functional, and spatial information, amino acid conservation, physicochemical variation, residue mobility, and thermodynamic stability) indicates that this missense variant is expected to disrupt COL9A1 protein function with a positive predictive value of 95%. In summary, the available evidence is currently insufficient to determine the role of this variant in disease. Therefore, it has been classified as a Variant of Uncertain Significance.

GeneDx
Classification: Uncertain significance. Last evaluated: 2024-07-23. Review status: criteria provided, single submitter. Criteria: GeneDx Variant Classification Process June 2021. Collection method: clinical testing. Allele origin: germline. Affected: yes.
Comment: Not observed at significant frequency in large population cohorts (gnomAD); In silico analysis supports that this missense variant has a deleterious effect on protein structure/function; Has not been previously published as pathogenic or benign to our knowledge